The following is an entry in ClinVar:

ClinVar aggregate classification (germline): Likely pathogenic (1 of 4 stars; one submission).

Conditions:
Biotin-responsive basal ganglia disease (BTBGD). Also called: Thiamine metabolism dysfunction syndrome 2 (biotin- or thiamine-responsive encephalopathy type 2); thiamine-responsive encephalopathy; THIAMINE METABOLISM DYSFUNCTION SYNDROME 2 (BIOTIN- AND THIAMINE-RESPONSIVE TYPE); Thiamine metabolism dysfunction syndrome type 2; Thiamine Transporter-2 Deficiency. Identifiers: Orphanet 199348, Orphanet 65284, MedGen C1843807, MONDO:0011841, OMIM 607483.

Submission:

Kasturba Medical College, Manipal, Kasturba Medical College, Manipal, Manipal Academy of Higher Education, Manipal, India
Classification: Likely pathogenic for Biotin-responsive basal ganglia disease. Review status: criteria provided, single submitter. Criteria: ACMG Guidelines, 2015. Collection method: clinical testing. Allele origin: biparental. Inheritance: Autosomal recessive inheritance. Affected: yes. Observed: 1 homozygote.
Comment: In-silico analysis tools (REVEL, CADD_phred, GERP, MutationTaster) are consistent in predicting the variant to impair SLC19A3 protein function. Previously, the variant c.950G>A has been reported in trans with another missense variant, c.962C>T in SLC19A3 in an individual with biotin-thiamine responsive basal ganglia disease (MIM #607483; Wen et al. 2019).

NM_025243.4(SLC19A3):c.950G>A (p.Gly317Glu)

Gene: SLC19A3 (solute carrier family 19 member 3; minus strand). Cytogenetic location: 2q36.3.
Variant type: single nucleotide variant.
Coding change: c.950G>A on transcript NM_025243.4 (MANE Select); coding-DNA position 950, G replaced by A.
Protein change: p.Gly317Glu; replaces glycine 317 with glutamic acid.
Molecular consequence: missense variant.
Genome position (GRCh38, 1-based): chr2:227,698,765, C>T on the plus strand (G>A on the coding strand, the complement: SLC19A3 is on the minus strand). VCF-style: chr2-227698765-C-T. GRCh37 (hg19) VCF-style: chr2-228563481-C-T.
Other names: c.950G>A, p.Gly317Glu (NM_001371411.1, NM_001371412.1); c.938G>A, p.Gly313Glu (NM_001371413.1, NM_001371414.1); short protein forms G313E, G317E.
Identifiers: ClinVar variation 3366990 (VCV003366990.2).